The following is an entry in ClinVar:

NM_004654.4(USP9Y):c.5473G>T (p.Asp1825Tyr)

Gene: USP9Y (ubiquitin specific peptidase 9 Y-linked; plus strand). Cytogenetic location: Yq11.221.
Variant type: single nucleotide variant.
Coding change: c.5473G>T on transcript NM_004654.4 (MANE Select); coding-DNA position 5473, G replaced by T.
Protein change: p.Asp1825Tyr; replaces aspartic acid 1825 with tyrosine.
Molecular consequence: missense variant.
Genome position (GRCh38, 1-based): chrY:12,839,999, G>T. VCF-style: chrY-12839999-G-T. GRCh37 (hg19) VCF-style: chrY-14951925-G-T.
Other names: short protein forms D1825Y.
Identifiers: ClinVar variation 2661889 (VCV002661889.24), dbSNP rs2521732499, ClinGen allele CA415000546.

ClinVar aggregate classification (germline): Uncertain significance (1 of 4 stars; one submission).

Submission:

CeGaT Center for Human Genetics Tuebingen
Classification: Uncertain significance. Last evaluated: 2022-11-01. Review status: criteria provided, single submitter. Criteria: CeGaT Center For Human Genetics Tuebingen Variant Classification Criteria Version 2. Collection method: clinical testing. Allele origin: germline. Affected: yes. Observed: 1 variant allele.
Comment: USP9Y: PM2